The following is an entry in ClinVar:

NM_030928.4(CDT1):c.1561G>C (p.Val521Leu)

Gene: CDT1 (chromatin licensing and DNA replication factor 1; plus strand). Cytogenetic location: 16q24.3.
Variant type: single nucleotide variant.
Coding change: c.1561G>C on transcript NM_030928.4 (MANE Select); coding-DNA position 1561, G replaced by C.
Protein change: p.Val521Leu; replaces valine 521 with leucine.
Molecular consequence: missense variant.
Genome position (GRCh38, 1-based): chr16:88,808,198, G>C. VCF-style: chr16-88808198-G-C. GRCh37 (hg19) VCF-style: chr16-88874606-G-C.
Other names: c.1561G>C (NM_030928.3); short protein forms V521L.
Identifiers: ClinVar variation 1980600 (VCV001980600.5), dbSNP rs769331060, ClinGen allele CA8234239.

ClinVar aggregate classification (germline): Uncertain significance. Review status: criteria provided, multiple submitters, no conflicts (2 of 4 stars). 2 submissions from 2 submitters: Uncertain significance (2). Last evaluated 2025-05-06.

Conditions:
Inborn genetic diseases. Identifiers: MedGen C0950123, MeSH D030342.

Submissions (2):

Ambry Genetics
Classification: Uncertain significance for Inborn genetic diseases. Last evaluated: 2025-05-06. Review status: criteria provided, single submitter. Criteria: Ambry Variant Classification Scheme 2023. Collection method: clinical testing. Allele origin: germline.

Labcorp Genetics (formerly Invitae), Labcorp
Classification: Uncertain significance. Last evaluated: 2022-09-27. Review status: criteria provided, single submitter. Criteria: Invitae Variant Classification Sherloc (09022015). Collection method: clinical testing. Allele origin: germline.
Comment: This sequence change replaces valine, which is neutral and non-polar, with leucine, which is neutral and non-polar, at codon 521 of the CDT1 protein (p.Val521Leu). This variant is present in population databases (rs769331060, gnomAD 0.006%). This variant has not been reported in the literature in individuals affected with CDT1-related conditions. Algorithms developed to predict the effect of missense changes on protein structure and function output the following: SIFT: "Tolerated"; PolyPhen-2: "Benign"; Align-GVGD: "Class C0". The leucine amino acid residue is found in multiple mammalian species, which suggests that this missense change does not adversely affect protein function. In summary, the available evidence is currently insufficient to determine the role of this variant in disease. Therefore, it has been classified as a Variant of Uncertain Significance.